The following is an entry in ClinVar:

ClinVar aggregate classification (germline): Uncertain significance (1 of 4 stars; one submission).

Allele frequency attached by ClinVar (database versions not stated): gnomAD exomes 0.00001.
gnomAD v4.1: 21 of 1,590,236 alleles (0.0013%); highest among the groups gnomAD compares: Non-Finnish European, 0.0017%; no homozygotes.

Submission:

Labcorp Genetics (formerly Invitae), Labcorp
Classification: Uncertain significance. Last evaluated: 2024-07-08. Review status: criteria provided, single submitter. Criteria: Invitae Variant Classification Sherloc (09022015). Collection method: clinical testing. Allele origin: germline.
Comment: This sequence change replaces arginine, which is basic and polar, with glutamine, which is neutral and polar, at codon 191 of the NEUROG3 protein (p.Arg191Gln). The frequency data for this variant in the population databases is considered unreliable, as metrics indicate poor data quality at this position in the gnomAD database. This variant has not been reported in the literature in individuals affected with NEUROG3-related conditions. ClinVar contains an entry for this variant (Variation ID: 2056791). An algorithm developed to predict the effect of missense changes on protein structure and function (PolyPhen-2) suggests that this variant¬†is likely to be tolerated. In summary, the available evidence is currently insufficient to determine the role of this variant in disease. Therefore, it has been classified as a Variant of Uncertain Significance.

NM_020999.4(NEUROG3):c.572G>A (p.Arg191Gln)

Gene: NEUROG3 (neurogenin 3; minus strand). Cytogenetic location: 10q22.1.
Variant type: single nucleotide variant.
Coding change: c.572G>A on transcript NM_020999.4 (MANE Select); coding-DNA position 572, G replaced by A.
Protein change: p.Arg191Gln; replaces arginine 191 with glutamine.
Molecular consequence: missense variant.
Genome position (GRCh38, 1-based): chr10:69,572,472, C>T on the plus strand (G>A on the coding strand, the complement: NEUROG3 is on the minus strand). VCF-style: chr10-69572472-C-T. GRCh37 (hg19) VCF-style: chr10-71332228-C-T.
Other names: short protein forms R191Q.
Identifiers: ClinVar variation 2056791 (VCV002056791.3), dbSNP rs1346375997, ClinGen allele CA376921507.